The following is an entry in ClinVar:

NM_014633.5(CTR9):c.22A>T (p.Ile8Phe)

Gene: CTR9 (CTR9 component of Paf1/RNA polymerase II complex; plus strand). Cytogenetic location: 11p15.4.
Variant type: single nucleotide variant.
Coding change: c.22A>T on transcript NM_014633.5 (MANE Select); coding-DNA position 22, A replaced by T.
Protein change: p.Ile8Phe; replaces isoleucine 8 with phenylalanine.
Molecular consequence: missense variant.
Genome position (GRCh38, 1-based): chr11:10,751,434, A>T. VCF-style: chr11-10751434-A-T. GRCh37 (hg19) VCF-style: chr11-10772981-A-T.
Other names: c.22A>T, p.Ile8Phe (NM_001346279.2); short protein forms I8F.
Identifiers: ClinVar variation 4839765 (VCV004839765.1).

ClinVar aggregate classification (germline): Uncertain significance (1 of 4 stars; one submission).

Conditions:
Inborn genetic diseases. Identifiers: MedGen C0950123, MeSH D030342.

Submission:

Ambry Genetics
Classification: Uncertain significance for Inborn genetic diseases. Last evaluated: 2026-02-03. Review status: criteria provided, single submitter. Criteria: Ambry Variant Classification Scheme 2023. Collection method: clinical testing. Allele origin: germline.
Comment: The c.22A>T (p.I8F) alteration is located in exon 1 (coding exon 1) of the CTR9 gene. This alteration results from an A to T substitution at nucleotide position 22, causing the isoleucine (I) at amino acid position 8 to be replaced by a phenylalanine (F). This variant was not reported in population-based cohorts in the Genome Aggregation Database (gnomAD). This amino acid position is highly conserved in available vertebrate species. This missense variant is located in a region that has a low rate of benign missense variation (Lek, 2016; Firth, 2009). The in silico prediction for this alteration is inconclusive. Based on insufficient or conflicting evidence, the clinical significance of this alteration remains unclear.